The following is an entry in ClinVar:

NM_017849.4(TMEM127):c.497G>A (p.Gly166Glu)

Gene: TMEM127 (transmembrane protein 127; minus strand). Cytogenetic location: 2q11.2.
Variant type: single nucleotide variant.
Coding change: c.497G>A on transcript NM_017849.4 (MANE Select); coding-DNA position 497, G replaced by A.
Protein change: p.Gly166Glu; replaces glycine 166 with glutamic acid.
Molecular consequence: missense variant.
Genome position (GRCh38, 1-based): chr2:96,254,028, C>T on the plus strand (G>A on the coding strand, the complement: TMEM127 is on the minus strand). VCF-style: chr2-96254028-C-T. GRCh37 (hg19) VCF-style: chr2-96919766-C-T.
Other names: c.497G>A, p.Gly166Glu (NM_001193304.3); c.245G>A, p.Gly82Glu (NM_001407282.1, NM_001407283.1); short protein forms G82E, G166E.
Identifiers: ClinVar variation 3457594 (VCV003457594.1).

ClinVar aggregate classification (germline): Uncertain significance (1 of 4 stars; one submission).

Conditions:
Hereditary cancer-predisposing syndrome. Also called: Tumor predisposition; Neoplastic Syndromes, Hereditary; Hereditary neoplastic syndrome; Hereditary Cancer Syndrome. Identifiers: Orphanet 140162, MedGen C0027672, MeSH D009386, MONDO:0015356.

gnomAD v4.1: 1 of 1,614,140 alleles (0.000062%); highest among the groups gnomAD compares: Non-Finnish European, 0.000085%; no homozygotes.

Submission:

Ambry Genetics
Classification: Uncertain significance for Hereditary cancer-predisposing syndrome. Last evaluated: 2024-06-30. Review status: criteria provided, single submitter. Criteria: Ambry Variant Classification Scheme 2023. Collection method: clinical testing. Allele origin: germline.
Comment: The p.G166E variant (also known as c.497G>A), located in coding exon 3 of the TMEM127 gene, results from a G to A substitution at nucleotide position 497. The glycine at codon 166 is replaced by glutamic acid, an amino acid with similar properties. This amino acid position is conserved. In addition, this alteration is predicted to be deleterious by in silico analysis. Based on the available evidence, the clinical significance of this variant remains unclear.